The following is an entry in ClinVar:

NM_001371596.2(MFSD8):c.128A>G (p.Tyr43Cys)

Gene: MFSD8 (major facilitator superfamily domain containing 8; minus strand). Cytogenetic location: 4q28.2.
Variant type: single nucleotide variant.
Coding change: c.128A>G on transcript NM_001371596.2 (MANE Select); coding-DNA position 128, A replaced by G.
Protein change: p.Tyr43Cys; replaces tyrosine 43 with cysteine.
Molecular consequence: missense variant. On other transcripts: 5 prime UTR variant (1).
Genome position (GRCh38, 1-based): chr4:127,957,527, T>C on the plus strand (A>G on the coding strand, the complement: MFSD8 is on the minus strand). VCF-style: chr4-127957527-T-C. GRCh37 (hg19) VCF-style: chr4-128878682-T-C.
Other names: c.128A>G, p.Tyr43Cys (NM_001363520.3, NM_001363521.3, NM_001371591.2 and 5 more transcripts); c.-8A>G (NM_001371590.2, NM_001371595.1, NM_001410765.1); c.128A>G (NM_152778.2); short protein forms Y43C.
Identifiers: ClinVar variation 1046342 (VCV001046342.9), dbSNP rs1421635169, ClinGen allele CA358165061.
Genomic context (GRCh38, chr4:127,957,527, plus strand): 5'-TGAATTGTTAAAATTATGTATTTCTAATACTTACCTACACTGCTGAGAAACATAGTAAGA[T>C]ATAAAATCCTAATAGATCTCCATCGGCTCTTATAATGCTCTTCAGTCTCTAAAATGTCCC-3'
Protein context (NP_001358525.1, residues 33-53): KSRWRSIRIL[Tyr43Cys]LTMFLSSVGF

ClinVar aggregate classification (germline): Uncertain significance. Review status: criteria provided, multiple submitters, no conflicts (2 of 4 stars). 3 submissions from 3 submitters: Uncertain significance (2). 1 of the submissions does not count toward it. Last evaluated 2025-09-22.

Conditions:
Inborn genetic diseases. Identifiers: MedGen C0950123, MeSH D030342.
Late-infantile neuronal ceroid lipofuscinosis. Also called: Jansky-Bielschowsky disease. Identifiers: MedGen C0022340, MONDO:0015674.
Neuronal ceroid lipofuscinosis 7 (CLN7). Also called: MFSD8-Related Neuronal Ceroid-Lipofuscinosis. Identifiers: Orphanet 168491, Orphanet 228366, MedGen C1838571, MONDO:0012588, OMIM 610951.

Allele frequency attached by ClinVar (database versions not stated): gnomAD 0.00001.
gnomAD v4.1: 1 of 1,610,320 alleles (0.000062%); highest among the groups gnomAD compares: Non-Finnish European, 0.000085%; no homozygotes.

Submissions (3):

Ambry Genetics
Classification: Uncertain significance for Inborn genetic diseases. Last evaluated: 2025-09-22. Review status: criteria provided, single submitter. Criteria: Ambry Variant Classification Scheme 2023. Collection method: clinical testing. Allele origin: germline.

Labcorp Genetics (formerly Invitae), Labcorp
Classification: Uncertain significance for Neuronal ceroid lipofuscinosis 7. Last evaluated: 2022-07-26. Review status: criteria provided, single submitter. Criteria: Invitae Variant Classification Sherloc (09022015). Collection method: clinical testing. Allele origin: germline.
Comment: This sequence change replaces tyrosine, which is neutral and polar, with cysteine, which is neutral and slightly polar, at codon 43 of the MFSD8 protein (p.Tyr43Cys). This variant is present in population databases (no rsID available, gnomAD 0.007%). This variant has not been reported in the literature in individuals affected with MFSD8-related conditions. ClinVar contains an entry for this variant (Variation ID: 1046342). Algorithms developed to predict the effect of missense changes on protein structure and function are either unavailable or do not agree on the potential impact of this missense change (SIFT: "Tolerated"; PolyPhen-2: "Probably Damaging"; Align-GVGD: "Class C0"). In summary, the available evidence is currently insufficient to determine the role of this variant in disease. Therefore, it has been classified as a Variant of Uncertain Significance.

Natera, Inc.
Classification: Uncertain significance for Late-infantile neuronal ceroid lipofuscinosis. Last evaluated: 2020-08-24. Review status: no assertion criteria provided. Collection method: clinical testing. Allele origin: germline. Not counted in ClinVar's aggregate classification.